The following is an entry in ClinVar:

ClinVar aggregate classification (germline): Uncertain significance. Review status: criteria provided, multiple submitters, no conflicts (2 of 4 stars). 5 submissions from 5 submitters: Uncertain significance (5). Last evaluated 2026-01-16.

Conditions:
RECQL4-related disorder. Also called: RECQL4-related disorders; RECQL4-related condition.
Inborn genetic diseases. Identifiers: MedGen C0950123, MeSH D030342.
Rapadilino syndrome. Identifiers: Orphanet 3021, MedGen C1849453, MONDO:0009955, OMIM 266280.
Baller-Gerold syndrome (BGS). Also called: CRANIOSYNOSTOSIS WITH RADIAL DEFECTS. Identifiers: Orphanet 1225, MedGen C0265308, MONDO:0009039, OMIM 218600.
Rothmund-Thomson syndrome (RTS). Also called: Poikiloderma Congenitale; Poikiloderma of Rothmund-Thomson. Identifiers: Orphanet 2909, MedGen C0032339, MONDO:0010002.

Allele frequency attached by ClinVar (database versions not stated): gnomAD 0.00001; TOPMed 0.00002; gnomAD exomes 0.00003; ExAC 0.00007.
gnomAD v4.1: 46 of 1,604,664 alleles (0.0029%); highest among the groups gnomAD compares: Admixed American, 0.01%; no homozygotes.

Submissions (5):

Labcorp Genetics (formerly Invitae), Labcorp
Classification: Uncertain significance for Baller-Gerold syndrome. Last evaluated: 2026-01-16. Review status: criteria provided, single submitter. Criteria: Invitae Variant Classification Sherloc (09022015). Collection method: clinical testing. Allele origin: germline.
Comment: This sequence change replaces arginine, which is basic and polar, with glutamine, which is neutral and polar, at codon 629 of the RECQL4 protein (p.Arg629Gln). This variant is present in population databases (rs761794554, gnomAD 0.01%). This variant has not been reported in the literature in individuals affected with RECQL4-related conditions. ClinVar contains an entry for this variant (Variation ID: 407042). Invitae Evidence Modeling of protein sequence and biophysical properties (such as structural, functional, and spatial information, amino acid conservation, physicochemical variation, residue mobility, and thermodynamic stability) indicates that this missense variant is expected to disrupt RECQL4 protein function with a positive predictive value of 80%. In summary, the available evidence is currently insufficient to determine the role of this variant in disease. Therefore, it has been classified as a Variant of Uncertain Significance.

PreventionGenetics, part of Exact Sciences
Classification: Uncertain significance for RECQL4-related condition. Last evaluated: 2025-02-21. Review status: criteria provided, single submitter. Criteria: ACMG Guidelines, 2015. Collection method: clinical testing. Allele origin: germline.
Comment: The RECQL4 c.1886G>A variant is predicted to result in the amino acid substitution p.Arg629Gln. To our knowledge, this variant has not been reported in the literature. This variant is reported in 0.0091% of alleles in individuals of Latino descent in gnomAD. At this time, the clinical significance of this variant is uncertain due to the absence of conclusive functional and genetic evidence.

Ambry Genetics
Classification: Uncertain significance for Inborn genetic diseases. Last evaluated: 2022-11-14. Review status: criteria provided, single submitter. Criteria: Ambry Variant Classification Scheme 2023. Collection method: clinical testing. Allele origin: germline.

Blueprint Genetics
Classification: Uncertain significance. Last evaluated: 2020-03-30. Review status: criteria provided, single submitter. Criteria: ACMG Guidelines, 2015. Collection method: clinical testing. Allele origin: germline.

Fulgent Genetics
Classification: Uncertain significance for Baller-Gerold syndrome; Rapadilino syndrome; Rothmund-Thomson syndrome type 2. Last evaluated: 2018-10-31. Review status: criteria provided, single submitter. Criteria: ACMG Guidelines, 2015. Collection method: clinical testing. Allele origin: unknown.

NM_004260.4(RECQL4):c.1886G>A (p.Arg629Gln)

Gene: RECQL4 (RecQ like helicase 4; minus strand). Cytogenetic location: 8q24.3.
Variant type: single nucleotide variant.
Coding change: c.1886G>A on transcript NM_004260.4 (MANE Select); coding-DNA position 1886, G replaced by A.
Protein change: p.Arg629Gln; replaces arginine 629 with glutamine.
Molecular consequence: missense variant.
Genome position (GRCh38, 1-based): chr8:144,514,100, C>T on the plus strand (G>A on the coding strand, the complement: RECQL4 is on the minus strand). VCF-style: chr8-144514100-C-T. GRCh37 (hg19) VCF-style: chr8-145739484-C-T.
Other names: short protein forms R629Q.
Identifiers: ClinVar variation 407042 (VCV000407042.12), dbSNP rs761794554, ClinGen allele CA4948589.